The following is an entry in ClinVar:

NM_000179.3(MSH6):c.486_487del (p.Gly163fs)

Gene: MSH6 (mutS homolog 6; plus strand). Cytogenetic location: 2p16.3.
Variant type: Deletion.
Coding change: c.486_487del on transcript NM_000179.3 (MANE Select); coding-DNA positions 486 to 487, 2 bases deleted (AG; older notation c.486_487delAG).
Protein change: p.Gly163fs; shifts the reading frame from glycine 163.
Molecular consequence: frameshift variant. On other transcripts: 5 prime UTR variant (1), intron variant (2).
Genome position (GRCh38, 1-based): chr2:47,795,922-47,795,923, AG deleted; deleting any 2 consecutive bases within chr2:47,795,921-47,795,923 gives the same sequence; the c. name uses the placement nearest the transcript's 3' end. VCF-style (leftmost placement, unchanged base first): chr2-47795920-GGA-G. GRCh37 (hg19) VCF-style: chr2-48023059-GGA-G.
Other names: c.-417_-416del (NM_001281494.2); c.582_583delAG, p.Gly195Serfs (NM_001406795.1, NM_001406802.1); c.486_487delAG, p.Gly163Serfs (NM_001406796.1, NM_001406798.1, NM_001406800.1 and 5 more transcripts); c.189_190delAG, p.Gly64Serfs (NM_001406797.1, NM_001406801.1, NM_001406805.1 and 10 more transcripts); c.-40_-39delAG (NM_001406799.1, NM_001406806.1, NM_001406807.1); c.408_409delAG, p.Gly137Serfs (NM_001406804.1); c.492_493delAG, p.Gly165Serfs (NM_001406813.1); c.-509_-508delAG (NM_001406814.1); and 3 more; short protein forms G163fs.
Identifiers: ClinVar variation 1743638 (VCV001743638.2), dbSNP rs2530516444, ClinGen allele CA2580066968.

ClinVar aggregate classification (germline): Pathogenic (1 of 4 stars; one submission).

Conditions:
Hereditary cancer-predisposing syndrome. Also called: Hereditary Cancer Syndrome; Neoplastic Syndromes, Hereditary; Tumor predisposition; Hereditary neoplastic syndrome. Identifiers: Orphanet 140162, MedGen C0027672, MeSH D009386, MONDO:0015356.

Submission:

Ambry Genetics
Classification: Pathogenic for Hereditary cancer-predisposing syndrome. Last evaluated: 2019-09-23. Review status: criteria provided, single submitter. Criteria: Ambry Variant Classification Scheme 2023. Collection method: clinical testing. Allele origin: germline.
Comment: The c.486_487delAG pathogenic mutation, located in coding exon 3 of the MSH6 gene, results from a deletion of two nucleotides at nucleotide positions 486 to 487, causing a translational frameshift with a predicted alternate stop codon (p.G163Sfs*8). This alteration is expected to result in loss of function by premature protein truncation or nonsense-mediated mRNA decay. As such, this alteration is interpreted as a disease-causing mutation.